The following is an entry in ClinVar:

NM_003283.6(TNNT1):c.538G>T (p.Glu180Ter)

Gene: TNNT1 (troponin T1, slow skeletal type; minus strand). Cytogenetic location: 19q13.42.
Variant type: single nucleotide variant.
Coding change: c.538G>T on transcript NM_003283.6 (MANE Select); coding-DNA position 538, G replaced by T.
Protein change: p.Glu180Ter; replaces glutamic acid 180 with a stop codon.
Molecular consequence: nonsense.
Genome position (GRCh38, 1-based): chr19:55,137,176, C>A on the plus strand (G>T on the coding strand, the complement: TNNT1 is on the minus strand). VCF-style: chr19-55137176-C-A. GRCh37 (hg19) VCF-style: chr19-55648544-C-A.
Other names: c.538G>T, p.Glu180Ter (NM_001126132.3); c.505G>T, p.Glu169Ter (NM_001126133.3, NM_001291774.2); short protein forms E180*, E169*.
Identifiers: ClinVar variation 12440 (VCV000012440.7), dbSNP rs80358249, ClinGen allele CA215410.

ClinVar aggregate classification (germline): Pathogenic. Review status: criteria provided, multiple submitters, no conflicts (2 of 4 stars). 5 submissions from 5 submitters: Pathogenic (2). 3 of the submissions do not count toward it. Last evaluated 2025-07-10.

Conditions:
Nemaline myopathy 5 (NEM5A). Also called: Nemaline myopathy 5, Amish type; NEMALINE MYOPATHY 5A, AUTOSOMAL RECESSIVE, SEVERE INFANTILE; NEMALINE MYOPATHY, AMISH TYPE. Identifiers: Orphanet 98902, MedGen C1854380, MONDO:0011539, OMIM 605355.

Allele frequency attached by ClinVar (database versions not stated): gnomAD 0.00016; gnomAD exomes below 0.00001; ExAC 0.00001; TOPMed 0.00023.

Submissions (5):

GeneDx
Classification: Pathogenic. Last evaluated: 2025-07-10. Review status: criteria provided, single submitter. Criteria: GeneDx Variant Classification Process June 2021. Collection method: clinical testing. Allele origin: germline. Affected: yes.
Comment: Nonsense variant predicted to result in protein truncation or nonsense mediated decay in a gene for which loss of function is a known mechanism of disease; Not observed at significant frequency in large population cohorts (gnomAD); This variant is associated with the following publications: (PMID: 25525159, 31028937, 29931346, 27429059, 10952871, 40569886, 40320982, 40320980, 15665378, 12732643, 40397026)

Labcorp Genetics (formerly Invitae), Labcorp
Classification: Pathogenic for Nemaline myopathy 5. Last evaluated: 2023-03-03. Review status: criteria provided, single submitter. Criteria: Invitae Variant Classification Sherloc (09022015). Collection method: clinical testing. Allele origin: germline.
Comment: This sequence change creates a premature translational stop signal (p.Glu180*) in the TNNT1 gene. It is expected to result in an absent or disrupted protein product. Loss-of-function variants in TNNT1 are known to be pathogenic (PMID: 10952871, 24689076, 25430424). This variant is present in population databases (rs80358249, gnomAD 0.0009%). This premature translational stop signal has been observed in individual(s) with nemaline myopathy (PMID: 10952871). It is commonly reported in individuals of Amish ancestry (PMID: 10952871). ClinVar contains an entry for this variant (Variation ID: 12440). Algorithms developed to predict the effect of variants on protein structure and function are not available or were not evaluated for this variant. Experimental studies have shown that this premature translational stop signal affects TNNT1 function (PMID: 12732643, 15665378, 27429059). For these reasons, this variant has been classified as Pathogenic.

Leiden Muscular Dystrophy (TNNT1)
No classification provided. Last evaluated: 2012-03-18. Review status: no classification provided. Collection method: curation. Allele origin: germline. Not counted in ClinVar's aggregate classification.

OMIM
Classification: Pathogenic for NEMALINE MYOPATHY 5A, AUTOSOMAL RECESSIVE, SEVERE INFANTILE. Last evaluated: 2005-04-08. Review status: no assertion criteria provided. Collection method: literature only. Allele origin: germline. Not counted in ClinVar's aggregate classification.

GeneReviews
No classification provided. Condition: Nemaline myopathy 5. Review status: no classification provided. Collection method: literature only. Allele origin: unknown. Not counted in ClinVar's aggregate classification.

Literature cited by the submitters: PubMed 10952871 (cited by 3 submitters); PubMed 24689076 (cited by Labcorp Genetics (formerly Invitae), Labcorp); PubMed 25430424 (cited by Labcorp Genetics (formerly Invitae), Labcorp); PubMed 12732643 (cited by 3 submitters); PubMed 15665378 (cited by 3 submitters); PubMed 27429059 (cited by Labcorp Genetics (formerly Invitae), Labcorp); PubMed 20301465 (cited by GeneReviews); NCBI Bookshelf NBK1288 (cited by GeneReviews).